The following is an entry in ClinVar:

NM_007194.4(CHEK2):c.89_90insAG (p.Ser31fs)

Gene: CHEK2 (checkpoint kinase 2; minus strand). Cytogenetic location: 22q12.1.
Variant type: Insertion.
Coding change: c.89_90insAG on transcript NM_007194.4 (MANE Select); coding-DNA positions 89 to 90, AG inserted.
Protein change: p.Ser31fs; shifts the reading frame from serine 31.
Molecular consequence: frameshift variant.
Genome position: GRCh38 VCF-style: chr22-28734632-G-GCT. GRCh37 (hg19) VCF-style: chr22-29130620-G-GCT.
Other names: c.88_89insGA, p.Ser31Alafs (NM_001005735.3, NM_001349956.3, NM_145862.3); c.-690_-689insGA (NM_001257387.3); short protein forms S31fs.
Identifiers: ClinVar variation 1696293 (VCV001696293.1), dbSNP rs2146152668, ClinGen allele CA2580099458.

ClinVar aggregate classification (germline): Likely pathogenic (1 of 4 stars; one submission).

Conditions:
Hereditary breast ovarian cancer syndrome. Also called: Hereditary breast and ovarian cancer syndrome; Breast and ovarian cancer; Hereditary breast and ovarian cancer; Hereditary breast and/or ovarian cancer syndrome; Hereditary breast and ovarian cancer syndrome (HBOC); BRCA1- and BRCA2-Associated Hereditary Breast and Ovarian Cancer. Identifiers: Orphanet 145, MedGen C0677776, MeSH D061325, MONDO:0003582. Disease mechanism: loss of function.

Submission:

Women's Health and Genetics/Laboratory Corporation of America, LabCorp
Classification: Likely pathogenic for Hereditary breast ovarian cancer syndrome. Last evaluated: 2022-05-02. Review status: criteria provided, single submitter. Criteria: LabCorp Variant Classification Summary - May 2015. Collection method: clinical testing. Allele origin: germline.
Comment: Variant summary: CHEK2 c.89_90insAG (p.Ser31AlafsX31) results in a premature termination codon, predicted to cause a truncation of the encoded protein or absence of the protein due to nonsense mediated decay, which are commonly known mechanisms for disease. Truncations downstream of this position have been classified as pathogenic by our laboratory. The variant was absent in 249506 control chromosomes (gnomAD). To our knowledge, no occurrence of c.89_90insAG in individuals affected with Hereditary Breast And Ovarian Cancer Syndrome and no experimental evidence demonstrating its impact on protein function have been reported. No clinical diagnostic laboratories have submitted clinical-significance assessments for this variant to ClinVar after 2014. Based on the evidence outlined above, the variant was classified as likely pathogenic.